The following is an entry in ClinVar:

ClinVar aggregate classification (germline): Benign/Likely benign. Review status: criteria provided, multiple submitters, no conflicts (2 of 4 stars). 2 submissions from 2 submitters: Benign (1); Likely benign (1). Last evaluated 2026-01-19.

Conditions:
Tuberous sclerosis 1 (TSC1). Identifiers: Orphanet 805, MedGen C1854465, MONDO:0008612, OMIM 191100.

Submissions (2):

Labcorp Genetics (formerly Invitae), Labcorp
Classification: Likely benign for Tuberous sclerosis 1. Last evaluated: 2026-01-19. Review status: criteria provided, single submitter. Criteria: Invitae Variant Classification Sherloc (09022015). Collection method: clinical testing. Allele origin: germline.

Myriad Genetics, Inc.
Classification: Benign for Tuberous sclerosis 1. Last evaluated: 2025-04-29. Review status: criteria provided, single submitter. Criteria: Myriad Autosomal Dominant, Autosomal Recessive and X-Linked Classification Criteria (2023). Collection method: clinical testing. Allele origin: unknown.
Comment: This variant is considered benign. This variant is a silent/synonymous amino acid change and it is not expected to impact splicing.

NM_000368.5(TSC1):c.2997G>A (p.Gly999=)

Gene: TSC1 (TSC complex subunit 1; minus strand). Cytogenetic location: 9q34.13.
Variant type: single nucleotide variant.
Coding change: c.2997G>A on transcript NM_000368.5 (MANE Select); coding-DNA position 2997, G replaced by A.
Protein change: p.Gly999=; no amino-acid change (glycine 999 retained).
Molecular consequence: synonymous variant.
Genome position (GRCh38, 1-based): chr9:132,896,733, C>T on the plus strand (G>A on the coding strand, the complement: TSC1 is on the minus strand). VCF-style: chr9-132896733-C-T. GRCh37 (hg19) VCF-style: chr9-135772120-C-T.
Other names: c.2994G>A, p.Gly998= (NM_001162426.2); c.2844G>A, p.Gly948= (NM_001162427.2); c.2634G>A, p.Gly878= (NM_001362177.2).
Identifiers: ClinVar variation 750815 (VCV000750815.11), dbSNP rs1437222540, ClinGen allele CA467813107.